The following is an entry in ClinVar:

NM_014915.3(ANKRD26):c.1621A>G (p.Asn541Asp)

Gene: ANKRD26 (ankyrin repeat domain containing 26; minus strand). Cytogenetic location: 10p12.1.
Variant type: single nucleotide variant.
Coding change: c.1621A>G on transcript NM_014915.3 (MANE Select); coding-DNA position 1621, A replaced by G.
Protein change: p.Asn541Asp; replaces asparagine 541 with aspartic acid.
Molecular consequence: missense variant.
Genome position (GRCh38, 1-based): chr10:27,053,334, T>C on the plus strand (A>G on the coding strand, the complement: ANKRD26 is on the minus strand). VCF-style: chr10-27053334-T-C. GRCh37 (hg19) VCF-style: chr10-27342263-T-C.
Other names: c.1621A>G, p.Asn541Asp (NM_001256053.2); short protein forms N541D.
Identifiers: ClinVar variation 3395398 (VCV003395398.1).

ClinVar aggregate classification (germline): Uncertain significance (1 of 4 stars; one submission).

Conditions:
Inborn genetic diseases. Identifiers: MedGen C0950123, MeSH D030342.

Submission:

Ambry Genetics
Classification: Uncertain significance for Inborn genetic diseases. Last evaluated: 2024-11-23. Review status: criteria provided, single submitter. Criteria: Ambry Variant Classification Scheme 2023. Collection method: clinical testing. Allele origin: germline.
Comment: The p.N541D variant (also known as c.1621A>G), located in coding exon 16 of the ANKRD26 gene, results from an A to G substitution at nucleotide position 1621. The asparagine at codon 541 is replaced by aspartic acid, an amino acid with highly similar properties. This amino acid position is conserved. In addition, this alteration is predicted to be tolerated by in silico analysis. Based on the available evidence, the clinical significance of this variant remains unclear.